The following is an entry in ClinVar:

ClinVar aggregate classification (germline): Uncertain significance (1 of 4 stars; one submission).

Conditions:
Chromosome 2q32-q33 deletion syndrome (GLASS). Also called: Glass syndrome; 2q33.1 deletion syndrome. Identifiers: Orphanet 251019, MedGen C2676739, MONDO:0012864, OMIM 612313.

Allele frequency attached by ClinVar (database versions not stated): gnomAD exomes below 0.00001; ExAC 0.00001.
gnomAD v4.1: 2 of 1,614,196 alleles (0.00012%); highest among the groups gnomAD compares: Admixed American, 0.0033%; no homozygotes.

Submission:

Labcorp Genetics (formerly Invitae), Labcorp
Classification: Uncertain significance for Chromosome 2q32-q33 deletion syndrome. Last evaluated: 2022-09-14. Review status: criteria provided, single submitter. Criteria: Invitae Variant Classification Sherloc (09022015). Collection method: clinical testing. Allele origin: germline.
Comment: In summary, the available evidence is currently insufficient to determine the role of this variant in disease. Therefore, it has been classified as a Variant of Uncertain Significance. Advanced modeling of protein sequence and biophysical properties (such as structural, functional, and spatial information, amino acid conservation, physicochemical variation, residue mobility, and thermodynamic stability) performed at Invitae indicates that this missense variant is not expected to disrupt SATB2 protein function. This variant has not been reported in the literature in individuals affected with SATB2-related conditions. This variant is present in population databases (rs766332901, gnomAD 0.006%). This sequence change replaces leucine, which is neutral and non-polar, with valine, which is neutral and non-polar, at codon 680 of the SATB2 protein (p.Leu680Val).

NM_001172509.2(SATB2):c.2038C>G (p.Leu680Val)

Genes: SATB2 (SATB homeobox 2; minus strand), LOC126806462 (MED14-independent group 3 enhancer GRCh37_chr2:200136608-200137807; plus strand). Cytogenetic location: 2q33.1.
Variant type: single nucleotide variant.
Coding change: c.2038C>G on transcript NM_001172509.2 (MANE Select); coding-DNA position 2038, C replaced by G.
Protein change: p.Leu680Val; replaces leucine 680 with valine.
Molecular consequence: missense variant.
Genome position (GRCh38, 1-based): chr2:199,272,375, G>C on the plus strand (C>G on the coding strand, the complement: SATB2 is on the minus strand). VCF-style: chr2-199272375-G-C. GRCh37 (hg19) VCF-style: chr2-200137098-G-C.
Other names: c.2038C>G, p.Leu680Val (NM_001172517.1, NM_015265.4); short protein forms L680V.
Identifiers: ClinVar variation 1941769 (VCV001941769.5), dbSNP rs766332901, ClinGen allele CA2045767.